The following is an entry in ClinVar:

NM_001292063.2(OTOG):c.966G>A (p.Pro322=)

Gene: OTOG (otogelin; plus strand). Cytogenetic location: 11p15.1.
Variant type: single nucleotide variant.
Coding change: c.966G>A on transcript NM_001292063.2 (MANE Select); coding-DNA position 966, G replaced by A.
Protein change: p.Pro322=; no amino-acid change (proline 322 retained).
Molecular consequence: synonymous variant.
Genome position (GRCh38, 1-based): chr11:17,558,285, G>A. VCF-style: chr11-17558285-G-A. GRCh37 (hg19) VCF-style: chr11-17579832-G-A.
Other names: c.1002G>A, p.Pro334= (NM_001277269.2).
Identifiers: ClinVar variation 1189209 (VCV001189209.4), dbSNP rs749267915, ClinGen allele CA5905424.

ClinVar aggregate classification (germline): Likely benign. Review status: criteria provided, single submitter (1 of 4 stars). 2 submissions from 2 submitters: Likely benign (1). 1 of the submissions does not count toward it. Last evaluated 2020-11-30.

Conditions:
OTOG-related disorder. Also called: OTOG-related condition.

Allele frequency attached by ClinVar (database versions not stated): gnomAD 0.00006 and 0.00007; ExAC 0.00012.
gnomAD v4.1: 62 of 1,550,672 alleles (0.004%); highest among the groups gnomAD compares: African/African-American, 0.0055%; no homozygotes.

Submissions (2):

GeneDx
Classification: Likely benign. Last evaluated: 2020-11-30. Review status: criteria provided, single submitter. Criteria: GeneDx Variant Classification Process June 2021. Collection method: clinical testing. Allele origin: germline. Affected: yes.

PreventionGenetics, part of Exact Sciences
Classification: Likely benign for OTOG-related condition. Last evaluated: 2019-07-11. Review status: no assertion criteria provided. Collection method: clinical testing. Allele origin: germline. Not counted in ClinVar's aggregate classification.
Comment: This variant is classified as likely benign based on ACMG/AMP sequence variant interpretation guidelines (Richards et al. 2015 PMID: 25741868, with internal and published modifications).